The following is an entry in ClinVar:

NM_000548.5(TSC2):c.2121G>A (p.Lys707=)

Gene: TSC2 (TSC complex subunit 2; plus strand). Cytogenetic location: 16p13.3.
Variant type: single nucleotide variant.
Coding change: c.2121G>A on transcript NM_000548.5 (MANE Select); coding-DNA position 2121, G replaced by A.
Protein change: p.Lys707=; no amino-acid change (lysine 707 retained).
Molecular consequence: synonymous variant.
Genome position (GRCh38, 1-based): chr16:2,072,264, G>A. VCF-style: chr16-2072264-G-A. GRCh37 (hg19) VCF-style: chr16-2122265-G-A.
Other names: c.2121G>A, p.Lys707= (NM_001077183.3, NM_001114382.3, NM_001363528.2 and 3 more transcripts); c.2010G>A, p.Lys670= (NM_001318827.2); c.1974G>A, p.Lys658= (NM_001318829.2); c.1521G>A, p.Lys507= (NM_001318831.2); c.2154G>A, p.Lys718= (NM_001318832.2).
Identifiers: ClinVar variation 1134103 (VCV001134103.12), dbSNP rs2151316314, ClinGen allele CA493042659.

ClinVar aggregate classification (germline): Benign/Likely benign. Review status: criteria provided, multiple submitters, no conflicts (2 of 4 stars). 3 submissions from 3 submitters: Benign (1); Likely benign (2). Last evaluated 2025-10-23.

Conditions:
Hereditary cancer-predisposing syndrome. Also called: Neoplastic Syndromes, Hereditary; Hereditary neoplastic syndrome; Tumor predisposition; Hereditary Cancer Syndrome. Identifiers: Orphanet 140162, MedGen C0027672, MeSH D009386, MONDO:0015356.
Tuberous sclerosis 2 (TSC2). Identifiers: Orphanet 805, MedGen C1860707, MONDO:0013199, OMIM 613254.

gnomAD v4.1: 1 of 1,614,136 alleles (0.000062%); highest among the groups gnomAD compares: Non-Finnish European, 0.000085%; no homozygotes.

Submissions (3):

Labcorp Genetics (formerly Invitae), Labcorp
Classification: Likely benign for Tuberous sclerosis 2. Last evaluated: 2025-10-23. Review status: criteria provided, single submitter. Criteria: Invitae Variant Classification Sherloc (09022015). Collection method: clinical testing. Allele origin: germline.

Myriad Genetics, Inc.
Classification: Benign for Tuberous sclerosis 2. Last evaluated: 2025-05-19. Review status: criteria provided, single submitter. Criteria: Myriad Autosomal Dominant, Autosomal Recessive and X-Linked Classification Criteria (2023). Collection method: clinical testing. Allele origin: unknown.
Comment: This variant is considered benign. This variant is a silent/synonymous amino acid change and it is not expected to impact splicing.

Ambry Genetics
Classification: Likely benign for Hereditary cancer-predisposing syndrome. Last evaluated: 2020-10-02. Review status: criteria provided, single submitter. Criteria: Ambry Variant Classification Scheme 2023. Collection method: clinical testing. Allele origin: germline.